The following is an entry in ClinVar:

NM_001267550.2(TTN):c.11431T>C (p.Phe3811Leu)

Gene: TTN (titin; minus strand). Cytogenetic location: 2q31.2.
Variant type: single nucleotide variant.
Coding change: c.11431T>C on transcript NM_001267550.2 (MANE Select); coding-DNA position 11431, T replaced by C.
Protein change: p.Phe3811Leu; replaces phenylalanine 3811 with leucine.
Molecular consequence: missense variant. On other transcripts: intron variant (1).
Genome position (GRCh38, 1-based): chr2:178,741,802, A>G on the plus strand (T>C on the coding strand, the complement: TTN is on the minus strand). VCF-style: chr2-178741802-A-G. GRCh37 (hg19) VCF-style: chr2-179606529-A-G.
Other names: c.10480T>C, p.Phe3494Leu (NM_001256850.1); c.10342T>C, p.Phe3448Leu (NM_003319.4); c.10717T>C, p.Phe3573Leu (NM_133432.3); c.10918T>C, p.Phe3640Leu (NM_133437.4); c.10361-3442T>C (NM_133378.4); short protein forms F3448L, F3494L, F3573L, F3640L, F3811L.
Identifiers: ClinVar variation 3375879 (VCV003375879.1).

ClinVar aggregate classification (germline): Uncertain significance (1 of 4 stars; one submission).

gnomAD v4.1: 3 of 1,613,158 alleles (0.00019%); highest among the groups gnomAD compares: Non-Finnish European, 0.00025%; no homozygotes.

Submission:

GeneDx
Classification: Uncertain significance. Last evaluated: 2024-05-06. Review status: criteria provided, single submitter. Criteria: GeneDx Variant Classification Process June 2021. Collection method: clinical testing. Allele origin: germline. Affected: yes.
Comment: Not observed at significant frequency in large population cohorts (gnomAD); Missense variant in a gene in which most reported pathogenic variants are truncating/loss of function; Has not been previously published as pathogenic or benign to our knowledge